The following is an entry in ClinVar:

ClinVar aggregate classification (germline): Uncertain significance (1 of 4 stars; one submission).

Allele frequency attached by ClinVar (database versions not stated): gnomAD exomes 0.00001; TOPMed 0.00001; gnomAD 0.00002.
gnomAD v4.1: 11 of 1,603,678 alleles (0.00069%); highest among the groups gnomAD compares: Middle Eastern, 0.033%; no homozygotes.

Submission:

Ambry Genetics
Classification: Uncertain significance. Last evaluated: 2022-01-27. Review status: criteria provided, single submitter. Criteria: Ambry Variant Classification Scheme 2023. Collection method: clinical testing. Allele origin: germline.
Comment: The c.21T>G (p.D7E) alteration is located in exon (coding exon ) of the MPPED1 gene. This alteration results from a T to G substitution at nucleotide position 21, causing the aspartic acid (D) at amino acid position 7 to be replaced by a glutamic acid (E). Based on insufficient or conflicting evidence, the clinical significance of this alteration remains unclear.

NM_001044370.2(MPPED1):c.21T>G (p.Asp7Glu)

Gene: MPPED1 (metallophosphoesterase domain containing 1; plus strand). Cytogenetic location: 22q13.2.
Variant type: single nucleotide variant.
Coding change: c.21T>G on transcript NM_001044370.2 (MANE Select); coding-DNA position 21, T replaced by G.
Protein change: p.Asp7Glu; replaces aspartic acid 7 with glutamic acid.
Molecular consequence: missense variant.
Genome position (GRCh38, 1-based): chr22:43,425,006, T>G. VCF-style: chr22-43425006-T-G. GRCh37 (hg19) VCF-style: chr22-43821012-T-G.
Other names: c.21T>G, p.Asp7Glu (NM_001362786.2, NM_001585.2); short protein forms D7E.
Identifiers: ClinVar variation 2274037 (VCV002274037.2), dbSNP rs551707827, ClinGen allele CA324808390.